The following is an entry in ClinVar:

NM_000209.4(PDX1):c.773A>G (p.Glu258Gly)

Gene: PDX1 (pancreatic and duodenal homeobox 1; plus strand). Cytogenetic location: 13q12.2.
Variant type: single nucleotide variant.
Coding change: c.773A>G on transcript NM_000209.4 (MANE Select); coding-DNA position 773, A replaced by G.
Protein change: p.Glu258Gly; replaces glutamic acid 258 with glycine.
Molecular consequence: missense variant.
Genome position (GRCh38, 1-based): chr13:27,924,622, A>G. VCF-style: chr13-27924622-A-G. GRCh37 (hg19) VCF-style: chr13-28498759-A-G.
Other names: short protein forms E258G.
Identifiers: ClinVar variation 36413 (VCV000036413.4), dbSNP rs193922360, ClinGen allele CA214077.
Genomic context (GRCh38, chr13:27,924,622, plus strand): 5'-TGCCGCCGCCGCCGCCCCCCGGAGGTGCTGTGCCGCCCGCTGCCCCCGTTGCCGCCCGAG[A>G]GGGCCGCCTGCCGCCTGGCCTTAGCGCGTCGCCACAGCCCTCCAGCGTCGCGCCTCGGCG-3'
Protein context (NP_000200.1, residues 248-268): VPPAAPVAAR[Glu258Gly]GRLPPGLSAS

ClinVar aggregate classification (germline): Conflicting classifications of pathogenicity. Review status: criteria provided, conflicting classifications (1 of 4 stars). 2 submissions from 2 submitters: Likely pathogenic (1); Uncertain significance (1). Last evaluated 2024-06-14.

Conditions:
Type 2 diabetes mellitus. Also called: Type II diabetes mellitus. Identifiers: MedGen C0011860, MeSH D003924, MONDO:0005148, OMIM 125853, HP:0005978.
Pancreatic agenesis 1 (PAGEN1). Also called: PANCREATIC HYPOPLASIA, CONGENITAL. Identifiers: Orphanet 2805, MedGen C3891828, MONDO:0024547, OMIM 260370.
Maturity-onset diabetes of the young type 4 (MODY4). Also called: Maturity-onset diabetes of the young, type IV; MODY, type IV. Identifiers: Orphanet 552, MedGen C1833382, MONDO:0011667, OMIM 606392.

Allele frequency attached by ClinVar (database versions not stated): TOPMed below 0.00001; gnomAD 0.00001.
gnomAD v4.1: 11 of 1,471,546 alleles (0.00075%); highest among the groups gnomAD compares: Admixed American, 0.0073%; no homozygotes.

Submissions (2):

Fulgent Genetics
Classification: Uncertain significance for Type 2 diabetes mellitus; Pancreatic agenesis 1; Maturity-onset diabetes of the young type 4. Last evaluated: 2024-06-14. Review status: criteria provided, single submitter. Criteria: ACMG Guidelines, 2015. Collection method: clinical testing. Allele origin: germline.

Women's Health and Genetics/Laboratory Corporation of America, LabCorp
Classification: Likely pathogenic for MODY4. Last evaluated: 2011-08-18. Review status: criteria provided, single submitter. Criteria: LabCorp Variant Classification Summary - May 2015. Collection method: curation, clinical testing. Allele origin: germline. Inheritance: autosomal unknown. Affected: yes.
ClinVar note: Converted during submission from likely pathogenic to Likely pathogenic.